The following is an entry in ClinVar:

NM_000318.3(PEX2):c.766A>G (p.Thr256Ala)

Gene: PEX2 (peroxisomal biogenesis factor 2; minus strand). Cytogenetic location: 8q21.13.
Variant type: single nucleotide variant.
Coding change: c.766A>G on transcript NM_000318.3 (MANE Select); coding-DNA position 766, A replaced by G.
Protein change: p.Thr256Ala; replaces threonine 256 with alanine.
Molecular consequence: missense variant.
Genome position (GRCh38, 1-based): chr8:76,983,413, T>C on the plus strand (A>G on the coding strand, the complement: PEX2 is on the minus strand). VCF-style: chr8-76983413-T-C. GRCh37 (hg19) VCF-style: chr8-77895649-T-C.
Other names: c.766A>G, p.Thr256Ala (NM_001079867.2, NM_001172086.2, NM_001172087.2); short protein forms T256A.
Identifiers: ClinVar variation 1381225 (VCV001381225.6), dbSNP rs1220452895, ClinGen allele CA371556628.
Genomic context (GRCh38, chr8:76,983,413, plus strand): 5'-CGTCAAATAAGAAACTACTCTTAGCACAGAAATAACAGAAAATATGCTCACATCCTATGG[T>C]GTGAGGCATGGTGGGCCACTCTCCACATAGAGCGCATTCTTTGCCACTGGTGGCTAATGT-3'
Protein context (NP_000309.2, residues 246-266): LCGEWPTMPH[Thr256Ala]IGCEHIFCYF

ClinVar aggregate classification (germline): Uncertain significance (1 of 4 stars; one submission).

Conditions:
Peroxisome biogenesis disorder 5A (Zellweger) (PBD5A). Identifiers: Orphanet 912, MedGen C3553940, MONDO:0013932, OMIM 614866.

Submission:

Labcorp Genetics (formerly Invitae), Labcorp
Classification: Uncertain significance for Peroxisome biogenesis disorder 5A (Zellweger). Last evaluated: 2021-09-15. Review status: criteria provided, single submitter. Criteria: Invitae Variant Classification Sherloc (09022015). Collection method: clinical testing. Allele origin: germline.
Comment: In summary, the available evidence is currently insufficient to determine the role of this variant in disease. Therefore, it has been classified as a Variant of Uncertain Significance. Algorithms developed to predict the effect of missense changes on protein structure and function (SIFT, PolyPhen-2, Align-GVGD) all suggest that this variant is likely to be tolerated. This variant has not been reported in the literature in individuals affected with PEX2-related conditions. This variant is not present in population databases (ExAC no frequency). This sequence change replaces threonine with alanine at codon 256 of the PEX2 protein (p.Thr256Ala). The threonine residue is highly conserved and there is a small physicochemical difference between threonine and alanine.